The following is an entry in ClinVar:

NM_001346793.2(ANKRD2):c.315C>G (p.Ala105=)

Gene: ANKRD2 (ankyrin repeat domain 2; plus strand). Cytogenetic location: 10q24.2.
Variant type: single nucleotide variant.
Coding change: c.315C>G on transcript NM_001346793.2 (MANE Select); coding-DNA position 315, C replaced by G.
Protein change: p.Ala105=; no amino-acid change (alanine 105 retained).
Molecular consequence: synonymous variant.
Genome position (GRCh38, 1-based): chr10:97,578,365, C>G. VCF-style: chr10-97578365-C-G. GRCh37 (hg19) VCF-style: chr10-99338122-C-G.
Other names: c.396C>G, p.Ala132= (NM_001129981.3, NM_020349.4); c.654C>G, p.Ala218= (NM_001291218.2); c.315C>G, p.Ala105= (NM_001291219.3, NM_001346797.1).
Identifiers: ClinVar variation 2640739 (VCV002640739.24), dbSNP rs140040097, ClinGen allele CA5633557.

ClinVar aggregate classification (germline): Likely benign (1 of 4 stars; one submission).

Allele frequency attached by ClinVar (database versions not stated): ExAC 0.00035; gnomAD 0.00051; ESP Exome Variant Server 0.00069; gnomAD exomes 0.00081.

Submission:

CeGaT Center for Human Genetics Tuebingen
Classification: Likely benign. Last evaluated: 2022-08-01. Review status: criteria provided, single submitter. Criteria: CeGaT Center For Human Genetics Tuebingen Variant Classification Criteria Version 2. Collection method: clinical testing. Allele origin: germline. Affected: yes. Observed: 1 variant allele.
Comment: ANKRD2: BP4, BP7